The following is an entry in ClinVar:

NM_000540.3(RYR1):c.6327C>T (p.Asp2109=)

Gene: RYR1 (ryanodine receptor 1; plus strand). Cytogenetic location: 19q13.2.
Variant type: single nucleotide variant.
Coding change: c.6327C>T on transcript NM_000540.3 (MANE Select); coding-DNA position 6327, C replaced by T.
Protein change: p.Asp2109=; no amino-acid change (aspartic acid 2109 retained).
Molecular consequence: synonymous variant.
Genome position (GRCh38, 1-based): chr19:38,494,404, C>T. VCF-style: chr19-38494404-C-T. GRCh37 (hg19) VCF-style: chr19-38985044-C-T.
Other names: c.6327C>T, p.Asp2109= (NM_001042723.2).
Identifiers: ClinVar variation 2985504 (VCV002985504.4), dbSNP rs768182271, ClinGen allele CA068109.
Genomic context (GRCh38, chr19:38,494,404, plus strand): 5'-CTTCCCAGGGTCCCTGCAGGAGCTGGTGTCCCACATGGTGGTGCGCTGGGCCCAAGAGGA[C>T]TTCGTGCAGAGCCCCGAGCTGGTGCGGGCCATGTTCAGCCTCCTGCACCGGCAGTACGAC-3'
Protein context (NP_000531.2, residues 2099-2119): SHMVVRWAQE[Asp2109=]FVQSPELVRA

ClinVar aggregate classification (germline): Likely benign. Review status: criteria provided, multiple submitters, no conflicts (2 of 4 stars). 2 submissions from 2 submitters: Likely benign (2). Last evaluated 2024-06-09.

Conditions:
RYR1-related disorder. Also called: RYR1-related condition; RYR1-related disorders. Identifiers: MedGen CN239331.
Malignant hyperthermia, susceptibility to, 1 (MHS1). Also called: Anesthesia related hyperthermia; Malignant hyperpyrexia; Fulminating hyperpyrexia; Pharmacogenic myopathy; RYR1-Related Malignant Hyperthermia Susceptibility; Malignant hyperthermia suceptibility 1. Identifiers: Orphanet 423, MedGen C2930980, MONDO:0007783, OMIM 145600.

Allele frequency attached by ClinVar (database versions not stated): gnomAD exomes below 0.00001; TOPMed below 0.00001; ExAC 0.00001.
gnomAD v4.1: 1 of 1,612,044 alleles (0.000062%); highest among the groups gnomAD compares: Non-Finnish European, 0.000085%; no homozygotes.

Submissions (2):

All of Us Research Program, National Institutes of Health
Classification: Likely benign for Malignant hyperthermia, susceptibility to, 1. Last evaluated: 2024-06-09. Review status: criteria provided, single submitter. Criteria: ACMG Guidelines, 2015. Collection method: clinical testing. Allele origin: germline. Inheritance: Autosomal dominant inheritance. Observed: 1 variant allele, 1 heterozygote.
Comment: This study involves interpretation of variants in research participants for the purpose of population health screening. Participant phenotype was not available at the time of variant classification. Additional details can be found in publication PMID: 35346344, PMCID: PMC8962531

Labcorp Genetics (formerly Invitae), Labcorp
Classification: Likely benign for RYR1-related disorder. Last evaluated: 2023-02-21. Review status: criteria provided, single submitter. Criteria: Invitae Variant Classification Sherloc (09022015). Collection method: clinical testing. Allele origin: germline.